The following is an entry in ClinVar:

ClinVar aggregate classification (germline): Likely benign. Review status: criteria provided, multiple submitters, no conflicts (2 of 4 stars). 2 submissions from 2 submitters: Likely benign (2). Last evaluated 2025-07-01.

gnomAD v4.1: 56 of 1,614,102 alleles (0.0035%); highest among the groups gnomAD compares: Non-Finnish European, 0.0045%; no homozygotes.

Submissions (2):

CeGaT Center for Human Genetics Tuebingen
Classification: Likely benign. Last evaluated: 2025-07-01. Review status: criteria provided, single submitter. Criteria: CeGaT Center For Human Genetics Tuebingen Variant Classification Criteria Version 2. Collection method: clinical testing. Allele origin: germline. Affected: yes. Observed: 1 variant allele.
Comment: MKRN3: BP4, BP7

Blueprint Genetics
Classification: Likely benign. Last evaluated: 2020-04-20. Review status: criteria provided, single submitter. Criteria: ACMG Guidelines, 2015. Collection method: clinical testing. Allele origin: germline.

NM_005664.4(MKRN3):c.1458C>T (p.Pro486=)

Gene: MKRN3 (makorin ring finger protein 3; plus strand). Cytogenetic location: 15q11.2.
Variant type: single nucleotide variant.
Coding change: c.1458C>T on transcript NM_005664.4 (MANE Select); coding-DNA position 1458, C replaced by T.
Protein change: p.Pro486=; no amino-acid change (proline 486 retained).
Molecular consequence: synonymous variant.
Genome position (GRCh38, 1-based): chr15:23,567,240, C>T. VCF-style: chr15-23567240-C-T. GRCh37 (hg19) VCF-style: chr15-23812387-C-T.
Identifiers: ClinVar variation 4084685 (VCV004084685.9).
Genomic context (GRCh38, chr15:23,567,240, plus strand): 5'-CGTGCTTCGGCTGGCCAGTCTGTTGTTTAAGCGGTTTCTTTCACTGAGAGATGAGTTACC[C>T]TTCTCTGAGGACCAGTGGGACTTGCTTCATTATGAGCTGGAAGAATATTTCAATTTGATT-3'
Protein context (NP_005655.1, residues 476-496): KRFLSLRDEL[Pro486=]FSEDQWDLLH